The following is an entry in ClinVar:

ClinVar aggregate classification (germline): Uncertain significance. Review status: criteria provided, multiple submitters, no conflicts (2 of 4 stars). 2 submissions from 2 submitters: Uncertain significance (2). Last evaluated 2025-11-08.

Conditions:
Hereditary cancer-predisposing syndrome. Also called: Neoplastic Syndromes, Hereditary; Tumor predisposition; Hereditary Cancer Syndrome; Hereditary neoplastic syndrome. Identifiers: Orphanet 140162, MedGen C0027672, MeSH D009386, MONDO:0015356.

Submissions (2):

Ambry Genetics
Classification: Uncertain significance for Hereditary cancer-predisposing syndrome. Last evaluated: 2025-11-08. Review status: criteria provided, single submitter. Criteria: Ambry Variant Classification Scheme 2023. Collection method: clinical testing. Allele origin: germline.
Comment: The p.F495L variant (also known as c.1485T>G), located in coding exon 13 of the CHEK2 gene, results from a T to G substitution at nucleotide position 1485. The phenylalanine at codon 495 is replaced by leucine, an amino acid with highly similar properties. This amino acid position is conserved. In addition, this alteration is predicted to be tolerated by in silico analysis. Based on the available evidence, the clinical significance of this variant remains unclear.

Color Diagnostics, LLC DBA Color Health
Classification: Uncertain significance for Hereditary cancer-predisposing syndrome. Last evaluated: 2023-05-01. Review status: criteria provided, single submitter. Criteria: ACMG Guidelines, 2015. Collection method: clinical testing. Allele origin: germline.
Comment: This missense variant replaces phenylalanine with leucine at codon 495 of the CHEK2 protein. Computational prediction suggests that this variant may not impact protein structure and function (internally defined REVEL score threshold <= 0.5, PMID: 27666373). To our knowledge, functional studies have not been reported for this variant. This variant has not been reported in individuals affected with CHEK2-related disorders in the literature. This variant has not been identified in the general population by the Genome Aggregation Database (gnomAD). The available evidence is insufficient to determine the role of this variant in disease conclusively. Therefore, this variant is classified as a Variant of Uncertain Significance.

NM_007194.4(CHEK2):c.1485T>G (p.Phe495Leu)

Gene: CHEK2 (checkpoint kinase 2; minus strand). Cytogenetic location: 22q12.1.
Variant type: single nucleotide variant.
Coding change: c.1485T>G on transcript NM_007194.4 (MANE Select); coding-DNA position 1485, T replaced by G.
Protein change: p.Phe495Leu; replaces phenylalanine 495 with leucine.
Molecular consequence: missense variant.
Genome position (GRCh38, 1-based): chr22:28,689,192, A>C on the plus strand (T>G on the coding strand, the complement: CHEK2 is on the minus strand). VCF-style: chr22-28689192-A-C. GRCh37 (hg19) VCF-style: chr22-29085180-A-C.
Other names: c.1485T>G (NM_007194.3); c.1614T>G, p.Phe538Leu (NM_001005735.3); c.822T>G, p.Phe274Leu (NM_001257387.3); c.1284T>G, p.Phe428Leu (NM_001349956.3); c.1398T>G, p.Phe466Leu (NM_145862.3); short protein forms F274L, F428L, F466L, F495L, F538L.
Identifiers: ClinVar variation 3894352 (VCV003894352.2).